The following is an entry in ClinVar:

NM_001042492.3(NF1):c.251T>C (p.Leu84Ser)

Gene: NF1 (neurofibromin 1; plus strand). Cytogenetic location: 17q11.2.
Variant type: single nucleotide variant.
Coding change: c.251T>C on transcript NM_001042492.3 (MANE Select); coding-DNA position 251, T replaced by C.
Protein change: p.Leu84Ser; replaces leucine 84 with serine.
Molecular consequence: missense variant.
Genome position (GRCh38, 1-based): chr17:31,159,056, T>C. VCF-style: chr17-31159056-T-C. GRCh37 (hg19) VCF-style: chr17-29486074-T-C.
Other names: c.251T>C, p.Leu84Ser (NM_000267.4, NM_001128147.3); short protein forms L84S.
Identifiers: ClinVar variation 4036297 (VCV004036297.1).

ClinVar aggregate classification (germline): Uncertain significance (1 of 4 stars; one submission).

Conditions:
Cardiovascular phenotype. Identifiers: MedGen CN230736.
Hereditary cancer-predisposing syndrome. Also called: Neoplastic Syndromes, Hereditary; Tumor predisposition; Hereditary neoplastic syndrome; Hereditary Cancer Syndrome. Identifiers: Orphanet 140162, MedGen C0027672, MeSH D009386, MONDO:0015356.

Submission:

Ambry Genetics
Classification: Uncertain significance for Cardiovascular phenotype; Hereditary cancer-predisposing syndrome. Last evaluated: 2025-06-02. Review status: criteria provided, single submitter. Criteria: Ambry Variant Classification Scheme 2023. Collection method: clinical testing. Allele origin: germline.
Comment: The p.L84S variant (also known as c.251T>C), located in coding exon 3 of the NF1 gene, results from a T to C substitution at nucleotide position 251. The leucine at codon 84 is replaced by serine, an amino acid with dissimilar properties. This amino acid position is conserved. In addition, this alteration is predicted to be deleterious by in silico analysis. Based on the available evidence, the clinical significance of this variant remains unclear.